The following is an entry in ClinVar:

ClinVar aggregate classification (germline): Uncertain significance. Review status: criteria provided, multiple submitters, no conflicts (2 of 4 stars). 5 submissions from 5 submitters: Uncertain significance (4). 1 of the submissions does not count toward it. Last evaluated 2023-10-26.

Conditions:
DNAH8-related disorder. Also called: DNAH8-related condition.
Spermatogenic failure 46. Identifiers: MedGen C5436799, MONDO:0033673, OMIM 619095.
Primary ciliary dyskinesia. Also called: Ciliary dyskinesia. Identifiers: Orphanet 244, MedGen C0008780, MONDO:0016575, HP:0012265.

Allele frequency attached by ClinVar (database versions not stated): 1000 Genomes Project 30x 0.00016; 1000 Genomes Project 0.00020; ExAC 0.00047; gnomAD exomes 0.00050; gnomAD 0.00064; TOPMed 0.00068; ESP Exome Variant Server 0.00092.
gnomAD v4.1: 1,930 of 1,613,852 alleles (0.12%); highest among the groups gnomAD compares: Non-Finnish European, 0.16%; 3 homozygotes.

Submissions (5):

Clinical Genomics Laboratory, Washington University in St. Louis
Classification: Uncertain significance for Spermatogenic failure 46. Last evaluated: 2023-10-26. Review status: criteria provided, single submitter. Criteria: ACMG Guidelines, 2015. Collection method: clinical testing. Allele origin: germline.
Comment: The DNAH8 c.7774C>T (p.Arg2592Trp) variant, to our knowledge, has not been reported in the medical literature but has been reported in the ClinVar database as a germline variant of uncertain significance by three submitters. The highest population minor allele frequency in the population database genome aggregation database (v.2.1.1) is 0.096% in European (non-Finnish) population. Computational predictors suggest that the variant does not impact DNAH8 function. Due to limited information, and based on ACMG/AMP guidelines for variant interpretation (Richards S et al., PMID: 25741868), the clinical significance of this variant is uncertain at this time.

Labcorp Genetics (formerly Invitae), Labcorp
Classification: Uncertain significance for Primary ciliary dyskinesia. Last evaluated: 2022-10-01. Review status: criteria provided, single submitter. Criteria: Invitae Variant Classification Sherloc (09022015). Collection method: clinical testing. Allele origin: germline.
Comment: This sequence change replaces arginine, which is basic and polar, with tryptophan, which is neutral and slightly polar, at codon 2592 of the DNAH8 protein (p.Arg2592Trp). This variant is present in population databases (rs113332942, gnomAD 0.1%), and has an allele count higher than expected for a pathogenic variant. This variant has not been reported in the literature in individuals affected with DNAH8-related conditions. ClinVar contains an entry for this variant (Variation ID: 407296). Advanced modeling of protein sequence and biophysical properties (such as structural, functional, and spatial information, amino acid conservation, physicochemical variation, residue mobility, and thermodynamic stability) performed at Invitae indicates that this missense variant is expected to disrupt DNAH8 protein function. Algorithms developed to predict the effect of sequence changes on RNA splicing suggest that this variant may disrupt the consensus splice site. In summary, the available evidence is currently insufficient to determine the role of this variant in disease. Therefore, it has been classified as a Variant of Uncertain Significance.

Fulgent Genetics
Classification: Uncertain significance for Spermatogenic failure 46. Last evaluated: 2022-05-30. Review status: criteria provided, single submitter. Criteria: ACMG Guidelines, 2015. Collection method: clinical testing. Allele origin: unknown.

UNC Molecular Genetics  Laboratory, University of North Carolina at Chapel Hill
Classification: Uncertain significance for Primary ciliary dyskinesia. Last evaluated: 2019-05-08. Review status: criteria provided, single submitter. Criteria: ACMG Guidelines, 2015. Collection method: clinical testing. Allele origin: germline. Observed: 1 heterozygote.

PreventionGenetics, part of Exact Sciences
Classification: Uncertain significance for DNAH8-related condition. Last evaluated: 2024-02-07. Review status: no assertion criteria provided. Collection method: clinical testing. Allele origin: germline. Not counted in ClinVar's aggregate classification.
Comment: The DNAH8 c.7774C>T variant is predicted to result in the amino acid substitution p.Arg2592Trp. To our knowledge, this variant has not been reported in the literature. This variant is reported in 0.096% of alleles in individuals of European (Non-Finnish) descent in gnomAD. At this time, the clinical significance of this variant is uncertain due to the absence of conclusive functional and genetic evidence.

NM_001206927.2(DNAH8):c.7774C>T (p.Arg2592Trp)

Gene: DNAH8 (dynein axonemal heavy chain 8; plus strand). Cytogenetic location: 6p21.2.
Variant type: single nucleotide variant.
Coding change: c.7774C>T on transcript NM_001206927.2 (MANE Select); coding-DNA position 7774, C replaced by T.
Protein change: p.Arg2592Trp; replaces arginine 2592 with tryptophan.
Molecular consequence: missense variant.
Genome position (GRCh38, 1-based): chr6:38,875,744, C>T. VCF-style: chr6-38875744-C-T. GRCh37 (hg19) VCF-style: chr6-38843520-C-T.
Other names: c.7123C>T, p.Arg2375Trp (NM_001371.4); short protein forms R2592W, R2375W.
Identifiers: ClinVar variation 407296 (VCV000407296.12), dbSNP rs113332942, ClinGen allele CA3790010.
Genomic context (GRCh38, chr6:38,875,744, plus strand): 5'-ATGTGGAGTTTAGGAGCCCTTCTGGAATTAGAAAGCAGAGAAAAGCTTGAAGCCTTCTTA[C>T]GGCAGCATGAAAGCAAGTTGGACTTACCAGAAATACCTAAAGGCTCAAATCAAACCATGT-3'
Protein context (NP_001193856.1, residues 2582-2602): ESREKLEAFL[Arg2592Trp]QHESKLDLPE